The following is an entry in ClinVar:

ClinVar aggregate classification (germline): Benign/Likely benign. Review status: criteria provided, multiple submitters, no conflicts (2 of 4 stars). 4 submissions from 4 submitters: Benign (1); Likely benign (3). Last evaluated 2025-03-25.

Conditions:
Hereditary cancer-predisposing syndrome. Also called: Neoplastic Syndromes, Hereditary; Hereditary neoplastic syndrome; Tumor predisposition; Hereditary Cancer Syndrome. Identifiers: Orphanet 140162, MedGen C0027672, MeSH D009386, MONDO:0015356.
Peutz-Jeghers syndrome (PJS). Also called: Peutz-Jeghers polyposis; Periorificial lentiginosis syndrome; POLYPOSIS, HAMARTOMATOUS INTESTINAL; POLYPS-AND-SPOTS SYNDROME. Identifiers: Orphanet 2869, MedGen C0031269, MeSH D010580, MONDO:0008280, OMIM 175200.

Allele frequency attached by ClinVar (database versions not stated): gnomAD exomes below 0.00001; TOPMed below 0.00001.

Submissions (4):

Myriad Genetics, Inc.
Classification: Benign for Peutz-Jeghers syndrome. Last evaluated: 2025-03-25. Review status: criteria provided, single submitter. Criteria: Myriad Autosomal Dominant, Autosomal Recessive and X-Linked Classification Criteria (2023). Collection method: clinical testing. Allele origin: unknown.
Comment: This variant is considered benign. This variant is a silent/synonymous amino acid change and it is not expected to impact splicing.

All of Us Research Program, National Institutes of Health
Classification: Likely benign for Peutz-Jeghers syndrome. Last evaluated: 2024-02-05. Review status: criteria provided, single submitter. Criteria: ACMG Guidelines, 2015. Collection method: clinical testing. Allele origin: germline. Inheritance: Autosomal dominant inheritance. Observed: 1 variant allele, 1 heterozygote.
Comment: This study involves interpretation of variants in research participants for the purpose of population health screening. Participant phenotype was not available at the time of variant classification. Additional details can be found in publication PMID: 35346344, PMCID: PMC8962531

Labcorp Genetics (formerly Invitae), Labcorp
Classification: Likely benign for Peutz-Jeghers syndrome. Last evaluated: 2023-04-01. Review status: criteria provided, single submitter. Criteria: Invitae Variant Classification Sherloc (09022015). Collection method: clinical testing. Allele origin: germline.

Ambry Genetics
Classification: Likely benign for Hereditary cancer-predisposing syndrome. Last evaluated: 2023-02-28. Review status: criteria provided, single submitter. Criteria: Ambry Variant Classification Scheme 2023. Collection method: clinical testing. Allele origin: germline.

NM_000455.5(STK11):c.304C>T (p.Leu102=)

Gene: STK11 (serine/threonine kinase 11; plus strand). Cytogenetic location: 19p13.3.
Variant type: single nucleotide variant.
Coding change: c.304C>T on transcript NM_000455.5 (MANE Select); coding-DNA position 304, C replaced by T.
Protein change: p.Leu102=; no amino-acid change (leucine 102 retained).
Molecular consequence: synonymous variant.
Genome position (GRCh38, 1-based): chr19:1,218,430, C>T. VCF-style: chr19-1218430-C-T. GRCh37 (hg19) VCF-style: chr19-1218429-C-T.
Identifiers: ClinVar variation 774277 (VCV000774277.14), dbSNP rs1364363777, ClinGen allele CA089316.